The following is an entry in ClinVar:

ClinVar aggregate classification (germline): Uncertain significance (1 of 4 stars; one submission).

Submission:

Ambry Genetics
Classification: Uncertain significance. Last evaluated: 2026-05-27. Review status: criteria provided, single submitter. Criteria: Ambry Variant Classification Scheme 2023. Collection method: clinical testing. Allele origin: germline.
Comment: The p.N715T variant (also known as c.2144A>C), located in coding exon 1 of the TET2 gene, results from an A to C substitution at nucleotide position 2144. The asparagine at codon 715 is replaced by threonine, an amino acid with similar properties. This amino acid position is conserved. In addition, this alteration is predicted to be tolerated by in silico analysis. Based on the available evidence, the clinical significance of this variant remains unclear.

NM_001127208.3(TET2):c.2144A>C (p.Asn715Thr)

Genes: TET2 (tet methylcytosine dioxygenase 2; plus strand), TET2-AS1 (TET2 antisense RNA 1; minus strand). Cytogenetic location: 4q24.
Variant type: single nucleotide variant.
Coding change: c.2144A>C on transcript NM_001127208.3 (MANE Select); coding-DNA position 2144, A replaced by C.
Protein change: p.Asn715Thr; replaces asparagine 715 with threonine.
Molecular consequence: missense variant.
Genome position (GRCh38, 1-based): chr4:105,236,086, A>C. VCF-style: chr4-105236086-A-C. GRCh37 (hg19) VCF-style: chr4-106157243-A-C.
Other names: c.2144A>C, p.Asn715Thr (NM_017628.4); short protein forms N715T.
Identifiers: ClinVar variation 4865589 (VCV004865589.1).